The following is an entry in ClinVar:

ClinVar aggregate classification (germline): Uncertain significance (1 of 4 stars; one submission).

Allele frequency attached by ClinVar (database versions not stated): TOPMed below 0.00001; gnomAD exomes 0.00001.
gnomAD v4.1: 7 of 1,209,786 alleles (0.00058%); highest among the groups gnomAD compares: South Asian, 0.0018%; no homozygotes.

Submission:

GeneDx
Classification: Uncertain significance. Last evaluated: 2025-09-10. Review status: criteria provided, single submitter. Criteria: GeneDx Variant Classification Process June 2021. Collection method: clinical testing. Allele origin: germline. Affected: yes.
Comment: Not observed at significant frequency in large population cohorts (gnomAD); In silico analysis suggests that this missense variant does not alter protein structure/function; Has not been previously published as pathogenic or benign to our knowledge

NM_031407.7(HUWE1):c.10094G>A (p.Arg3365Gln)

Gene: HUWE1 (HECT, UBA and WWE domain containing E3 ubiquitin protein ligase 1; minus strand). Cytogenetic location: Xp11.22.
Variant type: single nucleotide variant.
Coding change: c.10094G>A on transcript NM_031407.7 (MANE Select); coding-DNA position 10094, G replaced by A.
Protein change: p.Arg3365Gln; replaces arginine 3365 with glutamine.
Molecular consequence: missense variant.
Genome position (GRCh38, 1-based): chrX:53,548,215, C>T on the plus strand (G>A on the coding strand, the complement: HUWE1 is on the minus strand). VCF-style: chrX-53548215-C-T. GRCh37 (hg19) VCF-style: chrX-53575176-C-T.
Other names: short protein forms R3365Q.
Identifiers: ClinVar variation 1186165 (VCV001186165.6), dbSNP rs1449165385, ClinGen allele CA413136747.